The following is an entry in ClinVar:

ClinVar aggregate classification (germline): Uncertain significance. Review status: criteria provided, multiple submitters, no conflicts (2 of 4 stars). 2 submissions from 2 submitters: Uncertain significance (2). Last evaluated 2025-08-18.

Conditions:
Bradyopsia. Identifiers: Orphanet 75374, MedGen C1842073, MONDO:0012033, HP:0030511.

Allele frequency attached by ClinVar (database versions not stated): TOPMed 0.00003; ExAC 0.00004; gnomAD 0.00004 and 0.00005; gnomAD exomes 0.00004 and 0.00005; 1000 Genomes Project 30x 0.00031; 1000 Genomes Project 0.00040.
gnomAD v4.1: 62 of 1,613,996 alleles (0.0038%); highest among the groups gnomAD compares: East Asian, 0.036%; no homozygotes.

Submissions (2):

Labcorp Genetics (formerly Invitae), Labcorp
Classification: Uncertain significance. Last evaluated: 2025-08-18. Review status: criteria provided, single submitter. Criteria: Invitae Variant Classification Sherloc (09022015). Collection method: clinical testing. Allele origin: germline.
Comment: This sequence change replaces valine, which is neutral and non-polar, with isoleucine, which is neutral and non-polar, at codon 46 of the RGS9 protein (p.Val46Ile). This variant is present in population databases (rs577500360, gnomAD 0.04%). This variant has not been reported in the literature in individuals affected with RGS9-related conditions. ClinVar contains an entry for this variant (Variation ID: 1383368). Invitae Evidence Modeling of protein sequence and biophysical properties (such as structural, functional, and spatial information, amino acid conservation, physicochemical variation, residue mobility, and thermodynamic stability) indicates that this missense variant is not expected to disrupt RGS9 protein function with a negative predictive value of 80%. In summary, the available evidence is currently insufficient to determine the role of this variant in disease. Therefore, it has been classified as a Variant of Uncertain Significance.

Fulgent Genetics
Classification: Uncertain significance for Prolonged electroretinal response suppression 1. Last evaluated: 2022-01-05. Review status: criteria provided, single submitter. Criteria: ACMG Guidelines, 2015. Collection method: clinical testing. Allele origin: unknown.

NM_003835.4(RGS9):c.136G>A (p.Val46Ile)

Gene: RGS9 (regulator of G protein signaling 9; plus strand). Cytogenetic location: 17q24.1.
Variant type: single nucleotide variant.
Coding change: c.136G>A on transcript NM_003835.4 (MANE Select); coding-DNA position 136, G replaced by A.
Protein change: p.Val46Ile; replaces valine 46 with isoleucine.
Molecular consequence: missense variant.
Genome position (GRCh38, 1-based): chr17:65,153,500, G>A. VCF-style: chr17-65153500-G-A. GRCh37 (hg19) VCF-style: chr17-63149618-G-A.
Other names: c.136G>A, p.Val46Ile (NM_001081955.3, NM_001165933.2); short protein forms V46I.
Identifiers: ClinVar variation 1383368 (VCV001383368.8), dbSNP rs577500360, ClinGen allele CA8717493.